The following is an entry in ClinVar:

ClinVar aggregate classification (germline): Uncertain significance (1 of 4 stars; one submission).

Submission:

Mayo Clinic Laboratories, Mayo Clinic
Classification: Uncertain significance. Last evaluated: 2025-06-26. Review status: criteria provided, single submitter. Criteria: ACMG Guidelines, 2015. Collection method: clinical testing. Allele origin: germline. Observed: 1 variant allele.
Comment: PM2_supporting

NM_001110556.2(FLNA):c.5546T>G (p.Met1849Arg)

Gene: FLNA (filamin A; minus strand). Cytogenetic location: Xq28.
Variant type: single nucleotide variant.
Coding change: c.5546T>G on transcript NM_001110556.2 (MANE Select); coding-DNA position 5546, T replaced by G.
Protein change: p.Met1849Arg; replaces methionine 1849 with arginine.
Molecular consequence: missense variant.
Genome position (GRCh38, 1-based): chrX:154,354,162, A>C on the plus strand (T>G on the coding strand, the complement: FLNA is on the minus strand). VCF-style: chrX-154354162-A-C. GRCh37 (hg19) VCF-style: chrX-153582530-A-C.
Other names: p.Met1841Arg; c.5522T>G, p.Met1841Arg (NM_001456.4); short protein forms M1849R, M1841R.
Identifiers: ClinVar variation 4542508 (VCV004542508.1).